The following is an entry in ClinVar:

NM_000038.6(APC):c.6598A>T (p.Thr2200Ser)

Gene: APC (APC regulator of Wnt signaling pathway; plus strand). Cytogenetic location: 5q22.2.
Variant type: single nucleotide variant.
Coding change: c.6598A>T on transcript NM_000038.6 (MANE Select); coding-DNA position 6598, A replaced by T.
Protein change: p.Thr2200Ser; replaces threonine 2200 with serine.
Molecular consequence: missense variant.
Genome position (GRCh38, 1-based): chr5:112,842,192, A>T. VCF-style: chr5-112842192-A-T. GRCh37 (hg19) VCF-style: chr5-112177889-A-T.
Other names: c.6598A>T, p.Thr2200Ser (NM_001127510.3, NM_001354895.2); c.6544A>T, p.Thr2182Ser (NM_001127511.3); c.6652A>T, p.Thr2218Ser (NM_001354896.2); c.6628A>T, p.Thr2210Ser (NM_001354897.2); c.6523A>T, p.Thr2175Ser (NM_001354898.2); c.6514A>T, p.Thr2172Ser (NM_001354899.2); c.6475A>T, p.Thr2159Ser (NM_001354900.2); c.6421A>T, p.Thr2141Ser (NM_001354901.2); and 5 more; short protein forms T2109S, T2172S, T1917S, T2040S, T2074S, T2099S, T2159S, T2218S.
Identifiers: ClinVar variation 964152 (VCV000964152.13), dbSNP rs1580672524, ClinGen allele CA16035771.

ClinVar aggregate classification (germline): Uncertain significance. Review status: criteria provided, multiple submitters, no conflicts (2 of 4 stars). 3 submissions from 3 submitters: Uncertain significance (3). Last evaluated 2023-06-10.

Conditions:
Hereditary cancer-predisposing syndrome. Also called: Tumor predisposition; Hereditary neoplastic syndrome; Hereditary Cancer Syndrome; Neoplastic Syndromes, Hereditary. Identifiers: Orphanet 140162, MedGen C0027672, MeSH D009386, MONDO:0015356.
Familial adenomatous polyposis 1 (FAP1). Also called: FAMILIAL ADENOMATOUS POLYPOSIS 1, ATTENUATED; POLYPOSIS, ADENOMATOUS INTESTINAL. Identifiers: MedGen C2713442, MONDO:0021056, OMIM 175100. Disease mechanism: loss of function.

Allele frequency attached by ClinVar (database versions not stated): gnomAD exomes below 0.00001.
gnomAD v4.1: 2 of 1,613,074 alleles (0.00012%); highest among the groups gnomAD compares: Non-Finnish European, 0.000085%; no homozygotes.

Submissions (3):

Ambry Genetics
Classification: Uncertain significance for Hereditary cancer-predisposing syndrome. Last evaluated: 2023-06-10. Review status: criteria provided, single submitter. Criteria: Ambry Variant Classification Scheme 2023. Collection method: clinical testing. Allele origin: germline.
Comment: The p.T2200S variant (also known as c.6598A>T), located in coding exon 15 of the APC gene, results from an A to T substitution at nucleotide position 6598. The threonine at codon 2200 is replaced by serine, an amino acid with similar properties. This amino acid position is conserved. In addition, in silico predictors for this gene do not accurately predict pathogenicity. Since supporting evidence is limited at this time, the clinical significance of this alteration remains unclear.

Baylor Genetics
Classification: Uncertain significance for Familial adenomatous polyposis 1. Last evaluated: 2023-05-09. Review status: criteria provided, single submitter. Criteria: ACMG Guidelines, 2015. Collection method: clinical testing. Allele origin: unknown.

Labcorp Genetics (formerly Invitae), Labcorp
Classification: Uncertain significance for Familial adenomatous polyposis 1. Last evaluated: 2023-03-04. Review status: criteria provided, single submitter. Criteria: Invitae Variant Classification Sherloc (09022015). Collection method: clinical testing. Allele origin: germline.
Comment: ClinVar contains an entry for this variant (Variation ID: 964152). This variant has not been reported in the literature in individuals affected with APC-related conditions. This variant is not present in population databases (gnomAD no frequency). This sequence change replaces threonine, which is neutral and polar, with serine, which is neutral and polar, at codon 2200 of the APC protein (p.Thr2200Ser). Advanced modeling of protein sequence and biophysical properties (such as structural, functional, and spatial information, amino acid conservation, physicochemical variation, residue mobility, and thermodynamic stability) performed at Invitae indicates that this missense variant is not expected to disrupt APC protein function. In summary, the available evidence is currently insufficient to determine the role of this variant in disease. Therefore, it has been classified as a Variant of Uncertain Significance.